The following is an entry in ClinVar:

NM_001127222.2(CACNA1A):c.6515A>G (p.Asp2172Gly)

Gene: CACNA1A (calcium voltage-gated channel subunit alpha1 A; minus strand). Cytogenetic location: 19p13.13.
Variant type: single nucleotide variant.
Coding change: c.6515A>G on transcript NM_001127222.2 (MANE Select); coding-DNA position 6515, A replaced by G.
Protein change: p.Asp2172Gly; replaces aspartic acid 2172 with glycine.
Molecular consequence: missense variant.
Genome position (GRCh38, 1-based): chr19:13,209,323, T>C on the plus strand (A>G on the coding strand, the complement: CACNA1A is on the minus strand). VCF-style: chr19-13209323-T-C. GRCh37 (hg19) VCF-style: chr19-13320137-T-C.
Other names: c.6533A>G, p.Asp2178Gly (NM_000068.4, NM_023035.3); c.6518A>G, p.Asp2173Gly (NM_001127221.2); c.6524A>G, p.Asp2175Gly (NM_001174080.2); short protein forms D2172G, D2173G, D2175G, D2178G.
Identifiers: ClinVar variation 1311023 (VCV001311023.2), dbSNP rs2054713924, ClinGen allele CA404330737.

ClinVar aggregate classification (germline): Uncertain significance (1 of 4 stars; one submission).

Allele frequency attached by ClinVar (database versions not stated): gnomAD exomes below 0.00001.
gnomAD v4.1: 1 of 1,405,314 alleles (0.000071%); highest among the groups gnomAD compares: Non-Finnish European, 0.000093%; no homozygotes.

Submission:

GeneDx
Classification: Uncertain significance. Last evaluated: 2019-12-16. Review status: criteria provided, single submitter. Criteria: GeneDx Variant Classification Process June 2021. Collection method: clinical testing. Allele origin: germline. Affected: yes.
Comment: Not observed in large population cohorts (Lek et al., 2016); In silico analysis, which includes protein predictors and evolutionary conservation, supports a deleterious effect; In addition, in silico splice predictors suggest this variant may lead to abnormal gene splicing. In the absence of RNA/functional studies, the actual effect of this sequence change is unknown; Has not been previously published as pathogenic or benign to our knowledge